The following is an entry in ClinVar:

ClinVar aggregate classification (germline): Pathogenic/Likely pathogenic. Review status: criteria provided, multiple submitters, no conflicts (2 of 4 stars). 2 submissions from 2 submitters: Pathogenic (1); Likely pathogenic (1). Last evaluated 2025-01-07.

Conditions:
Asphyxiating thoracic dystrophy 4 (SRTD4). Also called: SHORT-RIB THORACIC DYSPLASIA 4 WITH OR WITHOUT POLYDACTYLY; SHORT-RIB THORACIC DYSPLASIA 4. Identifiers: Orphanet 474, MedGen C3151185, MONDO:0013441, OMIM 613819.
Nephronophthisis 12 (NPHP12). Identifiers: Orphanet 655, MedGen C3151186, MONDO:0013442, OMIM 613820.
Jeune thoracic dystrophy. Also called: Jeune syndrome; Infantile thoracic dystrophy; Thoracic pelvic phalangeal dystrophy; Jeune's syndrome; Chondroectodermal dysplasia-like syndrome; Short-rib thoracic dysplasia. Identifiers: Orphanet 474, MedGen C0265275, MONDO:0018770.
Nephronophthisis. Also called: Juvenile Nephronophthisis. Identifiers: Orphanet 655, MedGen C0687120, MONDO:0019005, HP:0000090.

Allele frequency attached by ClinVar (database versions not stated): gnomAD 0.00001; TOPMed 0.00001.
gnomAD v4.1: 2 of 1,612,570 alleles (0.00012%); highest among the groups gnomAD compares: African/African-American, 0.0027%; no homozygotes.

Submissions (2):

Labcorp Genetics (formerly Invitae), Labcorp
Classification: Pathogenic for Jeune thoracic dystrophy; Nephronophthisis. Last evaluated: 2025-01-07. Review status: criteria provided, single submitter. Criteria: Invitae Variant Classification Sherloc (09022015). Collection method: clinical testing. Allele origin: germline.
Comment: This sequence change creates a premature translational stop signal (p.Cys459*) in the TTC21B gene. It is expected to result in an absent or disrupted protein product. Loss-of-function variants in TTC21B are known to be pathogenic (PMID: 18327258, 21068128, 21258341, 23559409, 24876116, 25492405, 27491411, 29068549). This variant is present in population databases (no rsID available, gnomAD 0.01%). This variant has not been reported in the literature in individuals affected with TTC21B-related conditions. ClinVar contains an entry for this variant (Variation ID: 1363746). For these reasons, this variant has been classified as Pathogenic.

Fulgent Genetics
Classification: Likely pathogenic for Asphyxiating thoracic dystrophy 4; Nephronophthisis 12. Last evaluated: 2024-02-23. Review status: criteria provided, single submitter. Criteria: ACMG Guidelines, 2015. Collection method: clinical testing. Allele origin: germline.

Literature cited by the submitters: PubMed 18327258 (cited by Labcorp Genetics (formerly Invitae), Labcorp); PubMed 21068128 (cited by Labcorp Genetics (formerly Invitae), Labcorp); PubMed 21258341 (cited by Labcorp Genetics (formerly Invitae), Labcorp); PubMed 23559409 (cited by Labcorp Genetics (formerly Invitae), Labcorp); PubMed 24876116 (cited by Labcorp Genetics (formerly Invitae), Labcorp); PubMed 25492405 (cited by Labcorp Genetics (formerly Invitae), Labcorp); PubMed 27491411 (cited by Labcorp Genetics (formerly Invitae), Labcorp); PubMed 29068549 (cited by Labcorp Genetics (formerly Invitae), Labcorp).

NM_024753.5(TTC21B):c.1377T>A (p.Cys459Ter)

Gene: TTC21B (tetratricopeptide repeat domain 21B; minus strand). Cytogenetic location: 2q24.3.
Variant type: single nucleotide variant.
Coding change: c.1377T>A on transcript NM_024753.5 (MANE Select); coding-DNA position 1377, T replaced by A.
Protein change: p.Cys459Ter; replaces cysteine 459 with a stop codon.
Molecular consequence: nonsense.
Genome position (GRCh38, 1-based): chr2:165,929,144, A>T on the plus strand (T>A on the coding strand, the complement: TTC21B is on the minus strand). VCF-style: chr2-165929144-A-T. GRCh37 (hg19) VCF-style: chr2-166785654-A-T.
Other names: short protein forms C459*.
Identifiers: ClinVar variation 1363746 (VCV001363746.8), dbSNP rs1183062277, ClinGen allele CA349063989.